The following is an entry in ClinVar:

ClinVar aggregate classification (germline): Benign. Review status: reviewed by expert panel (3 of 4 stars). 16 submissions from 16 submitters: Benign (1). 15 of the submissions do not count toward it. Last evaluated 2023-04-05.

Conditions:
PALB2-related cancer predisposition. Identifiers: MedGen CN377761, MONDO:0700272.
Hereditary cancer-predisposing syndrome. Also called: Neoplastic Syndromes, Hereditary; Tumor predisposition; Hereditary neoplastic syndrome; Hereditary Cancer Syndrome. Identifiers: Orphanet 140162, MedGen C0027672, MeSH D009386, MONDO:0015356.
Hereditary breast ovarian cancer syndrome. Also called: Breast and ovarian cancer; BRCA1- and BRCA2-Associated Hereditary Breast and Ovarian Cancer; Hereditary breast and/or ovarian cancer syndrome; Hereditary breast and ovarian cancer syndrome; Hereditary breast and ovarian cancer; Hereditary breast and ovarian cancer syndrome (HBOC). Identifiers: Orphanet 145, MedGen C0677776, MeSH D061325, MONDO:0003582. Disease mechanism: loss of function.
Familial cancer of breast. Also called: Hereditary breast cancer; hereditary breast carcinoma; BREAST CANCER, FAMILIAL. Identifiers: Orphanet 227535, MedGen C0346153, MONDO:0016419, OMIM 114480. Disease mechanism: loss of function.

Allele frequency attached by ClinVar (database versions not stated): gnomAD 0.00011 and 0.00012; gnomAD exomes 0.00015 and 0.00080; TOPMed 0.00035; 1000 Genomes Project 0.00040; 1000 Genomes Project 30x 0.00047; ExAC 0.00070.
gnomAD v4.1: 230 of 1,614,160 alleles (0.014%); highest among the groups gnomAD compares: Admixed American, 0.38%; 2 homozygotes.

Submissions (16):

ClinGen Hereditary Breast, Ovarian and Pancreatic Cancer Variant Curation Expert Panel, ClinGen
Classification: Benign for PALB2-related cancer predisposition. Last evaluated: 2023-04-05. Review status: reviewed by expert panel. Criteria: ClinGen HBOP VCEP ACMG Specifications PALB2 V1.0.0. Collection method: curation. Allele origin: germline. Inheritance: Autosomal dominant inheritance.
Comment: The c.2027T>C variant in PALB2 is a missense variant predicted to cause a substitution of isoleucine by threonine at amino acid 676 (p.Ile676Thr). This variant has been observed in the homozygous state in multiple individuals without Fanconi Anemia (Ambry Genetics). This variant has a gnomAD v.2.1.1 filtering allele frequency of 0.005 in the Latino/Admixed American population, which is higher than the HBOP VCEP threshold (>0.001) for BA1, and therefore meets this criterion. This variant is functional in a protein assay (PMID 33964450); however due to a lack of positive missense controls with known clinical impact, these protein assays do not meet the requirements for use by the HBOP VCEP. PALB2, in which the variant was identified, is defined by the HBOP VCEP as a gene for which primarily truncating variants are known to cause disease. In summary, this variant meets the criteria to be classified as benign for autosomal dominant hereditary breast and pancreatic cancer and autosomal recessive FANCN based on the ACMG/AMP criteria applied, as specified by the HBOP VCEP. (BA1, BS2, BP1)

CeGaT Center for Human Genetics Tuebingen
Classification: Benign. Last evaluated: 2026-09-01. Review status: criteria provided, single submitter. Criteria: CeGaT Center For Human Genetics Tuebingen Variant Classification Criteria Version 2. Collection method: clinical testing. Allele origin: germline. Affected: yes. Observed: 2 variant alleles. Not counted in ClinVar's aggregate classification.
Comment: PALB2: BP4, BS3:Supporting, BS1, BS2

Labcorp Genetics (formerly Invitae), Labcorp
Classification: Benign for Familial cancer of breast. Last evaluated: 2026-02-02. Review status: criteria provided, single submitter. Criteria: Invitae Variant Classification Sherloc (09022015). Collection method: clinical testing. Allele origin: germline. Not counted in ClinVar's aggregate classification.

Mayo Clinic Laboratories, Mayo Clinic
Classification: Benign. Last evaluated: 2025-03-10. Review status: criteria provided, single submitter. Criteria: ACMG Guidelines, 2015. Collection method: clinical testing. Allele origin: germline. Observed: 2 variant alleles. Not counted in ClinVar's aggregate classification.
Comment: BA1, BP1

Myriad Genetics, Inc.
Classification: Benign for Familial cancer of breast. Last evaluated: 2025-01-15. Review status: criteria provided, single submitter. Criteria: Myriad Autosomal Dominant, Autosomal Recessive and X-Linked Classification Criteria (2023). Collection method: clinical testing. Allele origin: unknown. Not counted in ClinVar's aggregate classification.
Comment: This variant is considered benign. This variant has been observed at a population frequency that is significantly greater than expected given the associated disease prevalence and penetrance. This variant is strongly associated with less severe personal and family histories of cancer, typical for individuals without pathogenic variants in this gene [PMID: 25085752].

ARUP Laboratories, Molecular Genetics and Genomics, ARUP Laboratories
Classification: Benign. Last evaluated: 2024-10-08. Review status: criteria provided, single submitter. Criteria: ARUP Molecular Germline Variant Investigation Process 2024. Collection method: clinical testing. Allele origin: germline. Not counted in ClinVar's aggregate classification.

Quest Diagnostics Nichols Institute San Juan Capistrano
Classification: Benign. Last evaluated: 2023-06-15. Review status: criteria provided, single submitter. Criteria: Quest Diagnostics criteria. Collection method: clinical testing. Allele origin: unknown. Not counted in ClinVar's aggregate classification.

Department of Pathology and Laboratory Medicine, Sinai Health System
Classification: Likely benign for Hereditary breast ovarian cancer syndrome. Last evaluated: 2021-10-05. Review status: criteria provided, single submitter. Criteria: ACMG Guidelines, 2015. Collection method: clinical testing. Allele origin: germline. Affected: yes. Not counted in ClinVar's aggregate classification.

GeneDx
Classification: Likely benign. Last evaluated: 2021-09-16. Review status: criteria provided, single submitter. Criteria: GeneDx Variant Classification Process June 2021. Collection method: clinical testing. Allele origin: germline. Affected: yes. Not counted in ClinVar's aggregate classification.
Comment: This variant is associated with the following publications: (PMID: 23555315, 25980754, 26315354)

Sema4
Classification: Benign for Hereditary cancer-predisposing syndrome. Last evaluated: 2021-08-10. Review status: criteria provided, single submitter. Criteria: Sema4 Curation Guidelines. Collection method: curation. Allele origin: germline. Not counted in ClinVar's aggregate classification.

Genetic Services Laboratory, University of Chicago
Classification: Benign. Last evaluated: 2021-04-20. Review status: criteria provided, single submitter. Criteria: ACMG Guidelines, 2015. Collection method: clinical testing. Allele origin: germline. Affected: no. Not counted in ClinVar's aggregate classification.

Ambry Genetics
Classification: Likely benign for Hereditary cancer-predisposing syndrome. Last evaluated: 2018-11-16. Review status: criteria provided, single submitter. Criteria: Ambry Variant Classification Scheme 2023. Collection method: clinical testing. Allele origin: germline. Not counted in ClinVar's aggregate classification.

PreventionGenetics, part of Exact Sciences
Classification: Benign. Last evaluated: 2017-02-10. Review status: criteria provided, single submitter. Criteria: ACMG Guidelines, 2015. Collection method: clinical testing. Allele origin: germline. Not counted in ClinVar's aggregate classification.

Color Diagnostics, LLC DBA Color Health
Classification: Benign for Hereditary cancer-predisposing syndrome. Last evaluated: 2016-10-17. Review status: criteria provided, single submitter. Criteria: ACMG Guidelines, 2015. Collection method: clinical testing. Allele origin: germline. Not counted in ClinVar's aggregate classification.

Women's Health and Genetics/Laboratory Corporation of America, LabCorp
Classification: Benign. Last evaluated: 2016-10-06. Review status: criteria provided, single submitter. Criteria: LabCorp Variant Classification Summary - May 2015. Collection method: clinical testing. Allele origin: germline. Not counted in ClinVar's aggregate classification.
Comment: Variant summary: The PALB2 c.2027T>C (p.Ile676Thr) variant causes a missense change involving a non-conserved nucleotide with 4/5 in silico tools predicting a benign outcome, although these predictions have yet to be functionally assessed. The variant of interest was observed in the large, broad control population, ExAC, with an allele frequency of 85/128258 (1/1428), predominantly in the Latino cohort, 85/11578 (1/136), which significantly exceeds the estimated maximal expected allele frequency for a pathogenic PALB2 variant of 1/6397. Therefore, suggesting the variant is a common polymorphism found in population(s) of Latino origin. The variant of interest has been reported in affected individuals via publications. Clinical diagnostic laboratories have cited the variant as "likely benign/benign." Therefore, the variant of interest has been classified as Benign.

True Health Diagnostics
Classification: Likely benign for Hereditary cancer-predisposing syndrome. Last evaluated: 2017-11-17. Review status: no assertion criteria provided. Collection method: clinical testing. Allele origin: germline. Not counted in ClinVar's aggregate classification.

Literature cited by the submitters: PubMed 25085752 (cited by Myriad Genetics, Inc.); PubMed 25980754 (cited by 3 submitters); PubMed 26315354 (cited by 3 submitters).

NM_024675.4(PALB2):c.2027T>C (p.Ile676Thr)

Gene: PALB2 (partner and localizer of BRCA2; minus strand). Cytogenetic location: 16p12.2.
Variant type: single nucleotide variant.
Coding change: c.2027T>C on transcript NM_024675.4 (MANE Select); coding-DNA position 2027, T replaced by C.
Protein change: p.Ile676Thr; replaces isoleucine 676 with threonine.
Molecular consequence: missense variant.
Genome position (GRCh38, 1-based): chr16:23,630,127, A>G on the plus strand (T>C on the coding strand, the complement: PALB2 is on the minus strand). VCF-style: chr16-23630127-A-G. GRCh37 (hg19) VCF-style: chr16-23641448-A-G.
Other names: p.I676T:ATT>ACT; NM_024675.3(PALB2):c.2027T>C; short protein forms I676T.
Identifiers: ClinVar variation 142310 (VCV000142310.42), dbSNP rs200875161, ClinGen allele CA294362.